The following is an entry in ClinVar:

ClinVar aggregate classification (germline): Pathogenic (1 of 4 stars; one submission).

Conditions:
Nemaline myopathy 2 (NEM2). Also called: Nemaline myopathy 2, autosomal recessive. Identifiers: MedGen C1850569, MONDO:0009725, OMIM 256030.

Submission:

Myriad Genetics, Inc.
Classification: Pathogenic for Nemaline myopathy 2. Last evaluated: 2026-04-23. Review status: criteria provided, single submitter. Criteria: Myriad Autosomal Dominant, Autosomal Recessive and X-Linked Classification Criteria (2023). Collection method: clinical testing. Allele origin: unknown.
Comment: NM_001271208.1(NEB):c.23704_23707dupAAGA(T7903Kfs*4) is expected to be pathogenic in the context of NEB-related nemaline myopathy. This variant is predicted to lead to an abnormal or absent protein product due to the creation of a premature termination codon in NEB, a gene where loss-of-function variants are known to be pathogenic. Please note: this variant was assessed in the context of healthy population screening.

NM_001164508.2(NEB):c.23599_23602dup (p.Thr7868fs)

Genes: NEB (nebulin; minus strand), RIF1 (replication timing regulatory factor 1; plus strand). Cytogenetic location: 2q23.3.
Variant type: Duplication.
Coding change: c.23599_23602dup on transcript NM_001164508.2 (MANE Select); coding-DNA positions 23599 to 23602, 4 bases duplicated (AAGA; older notation c.23599_23602dupAAGA).
Protein change: p.Thr7868fs; shifts the reading frame from threonine 7868.
Molecular consequence: frameshift variant.
Genome position (GRCh38, 1-based): chr2:151,506,213-151,506,216, TCTT duplicated on the plus strand (AAGA on the coding strand, the reverse complement: NEB is on the minus strand); duplicating any 4 consecutive bases within chr2:151,506,213-151,506,218 gives the same sequence; the c. name uses the placement nearest the transcript's 3' end. VCF-style (leftmost placement, unchanged base first): chr2-151506212-G-GTCTT. GRCh37 (hg19) VCF-style: chr2-152362726-G-GTCTT.
Other names: c.23599_23602dup, p.Thr7868fs (NM_001164507.2); c.23704_23707dup, p.Thr7903fs (NM_001271208.2); c.18496_18499dup, p.Thr6167fs (NM_004543.5); short protein forms T6167fs, T7868fs, T7903fs.
Identifiers: ClinVar variation 5015824 (VCV005015824.1).